The following is an entry in ClinVar:

ClinVar aggregate classification (germline): Benign. Review status: criteria provided, multiple submitters, no conflicts (2 of 4 stars). 2 submissions from 2 submitters: Benign (2). Last evaluated 2018-06-14.

Allele frequency attached by ClinVar (database versions not stated): gnomAD exomes 0.00388; gnomAD 0.02798 and 0.02992; 1000 Genomes Project 0.03055; TOPMed 0.03152; 1000 Genomes Project 30x 0.03154.
gnomAD v4.1: 6,130 of 608,372 alleles (1%); highest among the groups gnomAD compares: African/African-American, 9.4%; 233 homozygotes.

Submissions (2):

GeneDx
Classification: Benign. Last evaluated: 2018-06-14. Review status: criteria provided, single submitter. Criteria: GeneDx Variant Classification (06012015). Collection method: clinical testing. Allele origin: germline. Affected: yes.
Comment: This variant is considered likely benign or benign based on one or more of the following criteria: it is a conservative change, it occurs at a poorly conserved position in the protein, it is predicted to be benign by multiple in silico algorithms, and/or has population frequency not consistent with disease.

Breakthrough Genomics
Classification: Benign. Review status: criteria provided, single submitter. Criteria: ACMG Guidelines, 2015. Collection method: not provided. Allele origin: germline. Inheritance: Autosomal recessive inheritance. Affected: yes.

NM_001953.5(TYMP):c.517-206G>A

Gene: TYMP (thymidine phosphorylase; minus strand). Cytogenetic location: 22q13.33.
Variant type: single nucleotide variant.
Coding change: c.517-206G>A on transcript NM_001953.5 (MANE Select); 206 bases into the intron before coding-DNA position 517, G replaced by A.
Molecular consequence: intron variant.
Genome position (GRCh38, 1-based): chr22:50,527,923, C>T on the plus strand (G>A on the coding strand, the complement: TYMP is on the minus strand). VCF-style: chr22-50527923-C-T. GRCh37 (hg19) VCF-style: chr22-50966352-C-T.
Other names: c.517-206G>A (NM_001257989.1, NM_001257988.1, NM_001113755.3 and 1 more transcripts).
Identifiers: ClinVar variation 674440 (VCV000674440.2), dbSNP rs114574956, ClinGen allele CA325563189.